The following is an entry in ClinVar:

NM_004415.4(DSP):c.1228_1229insT (p.Pro410fs)

Gene: DSP (desmoplakin; plus strand). Cytogenetic location: 6p24.3.
Variant type: Insertion.
Coding change: c.1228_1229insT on transcript NM_004415.4 (MANE Select); coding-DNA positions 1228 to 1229, T inserted.
Protein change: p.Pro410fs; shifts the reading frame from proline 410.
Molecular consequence: frameshift variant.
Genome position: GRCh38 VCF-style: chr6-7567868-C-CT. GRCh37 (hg19) VCF-style: chr6-7568101-C-CT.
Other names: c.1228_1229insT, p.Pro410fs (NM_001008844.3, NM_001319034.2); c.1228_1229insT, p.Pro410Leufs (NM_001406591.1); short protein forms P410fs.
Identifiers: ClinVar variation 1754718 (VCV001754718.2), dbSNP rs2533881912, ClinGen allele CA2580075375.
Genomic context (GRCh38, chr6:7,567,868, plus strand): 5'-GCATACCTGAAGGGGCTCCAGGACTCCATCAGGAAGAAGTACCCCTGCGACAAGAACATG[C>CT]CCCTGCAGCACCTGCTGGAACAGATCAAGGAGCTGGAGGTATCGTCTCAGACCCAGAACC-3'

ClinVar aggregate classification (germline): Pathogenic (1 of 4 stars; one submission).

Conditions:
Cardiovascular phenotype. Identifiers: MedGen CN230736.

Submission:

Ambry Genetics
Classification: Pathogenic for Cardiovascular phenotype. Last evaluated: 2020-01-28. Review status: criteria provided, single submitter. Criteria: Ambry Variant Classification Scheme 2023. Collection method: clinical testing. Allele origin: germline.
Comment: The c.1228_1229insT pathogenic mutation, located in coding exon 10 of the DSP gene, results from an insertion of one nucleotide at position 1228, causing a translational frameshift with a predicted alternate stop codon (p.P410Lfs*21). Alterations in DSP that result in haploinsufficiency or protein truncation have been reported in patients with arrhythmogenic right ventricular cardiomyopathy (ARVC) and dilated cardiomyopathy (DCM) (Fressart V et al. Europace. 2010;12(6):861-8; Elliott P et al. Circ Cardiovasc Genet. 2010;3(4):314-22; Quarta G et al. Circulation. 2011;123(23):2701-9; Garcia-Pavia P et al. Heart. 2011;97(21):1744-52; Rasmussen TB et al. Clin Genet. 2013;84(1):20-30; Pugh TJ et al. Genet Med. 2014;16(8):601-8). This alteration is expected to result in loss of function by premature protein truncation or nonsense-mediated mRNA decay. As such, this alteration is interpreted as a disease-causing mutation.